The following is an entry in ClinVar:

ClinVar aggregate classification (germline): Uncertain significance (1 of 4 stars; one submission).

Submission:

Labcorp Genetics (formerly Invitae), Labcorp
Classification: Uncertain significance. Last evaluated: 2020-01-31. Review status: criteria provided, single submitter. Criteria: Invitae Variant Classification Sherloc (09022015). Collection method: clinical testing. Allele origin: germline.
Comment: This sequence change results in a premature translational stop signal in the BBIP1 gene (p.Lys3Ilefs*25). While this is not anticipated to result in nonsense mediated decay, it is expected to disrupt the last 90 amino acids of the BBIP1 protein. In summary, the available evidence is currently insufficient to determine the role of this variant in disease. Therefore, it has been classified as a Variant of Uncertain Significance. Experimental studies and prediction algorithms are not available or were not evaluated, and the functional significance of this variant is currently unknown. This variant has not been reported in the literature in individuals with BBIP1-related conditions. The frequency data for this variant in the population databases is considered unreliable, as metrics indicate insufficient coverage at this position in the ExAC database.

NM_001195305.3(BBIP1):c.6_7dup (p.Lys3fs)

Gene: BBIP1 (BBSome interacting protein 1; minus strand). Cytogenetic location: 10q25.2.
Variant type: Duplication.
Coding change: c.6_7dup on transcript NM_001195305.3 (MANE Select); coding-DNA positions 6 to 7, 2 bases duplicated (TA; older notation c.6_7dupTA).
Protein change: p.Lys3fs; shifts the reading frame from lysine 3.
Molecular consequence: frameshift variant. On other transcripts: intron variant (1).
Genome position (GRCh38, 1-based): chr10:110,918,151-110,918,152, TA duplicated on the plus strand (TA on the coding strand, the reverse complement: BBIP1 is on the minus strand). VCF-style (leftmost placement, unchanged base first): chr10-110918150-T-TTA. GRCh37 (hg19) VCF-style: chr10-112677908-T-TTA.
Other names: c.6_7dup, p.Lys3fs (NM_001195304.2, NM_001195306.2, NM_001195307.2); c.-30+969_-30+970dup (NM_001243783.3); short protein forms K3fs.
Identifiers: ClinVar variation 1053366 (VCV001053366.7), dbSNP rs2134053273, ClinGen allele CA2499220166.